The following is an entry in ClinVar:

NM_000179.3(MSH6):c.3968_3969del (p.Glu1322_Phe1323insTer)

Gene: MSH6 (mutS homolog 6; plus strand). Cytogenetic location: 2p16.3.
Variant type: Deletion.
Coding change: c.3968_3969del on transcript NM_000179.3 (MANE Select); coding-DNA positions 3968 to 3969, 2 bases deleted (TT; older notation c.3968_3969delTT).
Protein change: p.Glu1322_Phe1323insTer.
Molecular consequence: nonsense. On other transcripts: frameshift variant (37).
Genome position (GRCh38, 1-based): chr2:47,806,618-47,806,619, TT deleted; deleting any 2 consecutive bases within chr2:47,806,617-47,806,619 gives the same sequence; the c. name uses the placement nearest the transcript's 3' end. VCF-style (leftmost placement, unchanged base first): chr2-47806616-ATT-A. GRCh37 (hg19) VCF-style: chr2-48033755-ATT-A.
Other names: c.3578_3579del, p.Glu1192_Phe1193insTer (NM_001281492.2); c.3062_3063del, p.Glu1020_Phe1021insTer (NM_001281493.2, NM_001281494.2); c.4064_4065delTT, p.Phe1355Terfs (NM_001406795.1); c.3968_3969delTT, p.Phe1323Terfs (NM_001406796.1, NM_001406808.1, NM_001406809.1); c.3671_3672delTT, p.Phe1224Terfs (NM_001406797.1, NM_001406801.1, NM_001406805.1 and 10 more transcripts); c.3794_3795delTT, p.Phe1265Terfs (NM_001406798.1); c.3443_3444delTT, p.Phe1148Terfs (NM_001406799.1, NM_001406806.1, NM_001406807.1); c.3955_3956delTT, p.Leu1319Glufs (NM_001406800.1); and 9 more.
Identifiers: ClinVar variation 1736570 (VCV001736570.2), dbSNP rs2530876391, ClinGen allele CA2580067521.

ClinVar aggregate classification (germline): Pathogenic (1 of 4 stars; one submission).

Conditions:
Hereditary cancer-predisposing syndrome. Also called: Neoplastic Syndromes, Hereditary; Tumor predisposition; Hereditary Cancer Syndrome; Hereditary neoplastic syndrome. Identifiers: Orphanet 140162, MedGen C0027672, MeSH D009386, MONDO:0015356.

Submission:

Ambry Genetics
Classification: Pathogenic for Hereditary cancer-predisposing syndrome. Last evaluated: 2019-09-10. Review status: criteria provided, single submitter. Criteria: Ambry Variant Classification Scheme 2023. Collection method: clinical testing. Allele origin: germline.
Comment: The c.3968_3969delTT pathogenic mutation, located in coding exon 9 of the MSH6 gene, results from a deletion of two nucleotides at nucleotide positions 3968 to 3969, causing a translational frameshift with a predicted alternate stop codon (p.F1323*). This alteration is expected to result in loss of function by premature protein truncation or nonsense-mediated mRNA decay. As such, this alteration is interpreted as a disease-causing mutation.